The following is an entry in ClinVar:

ClinVar aggregate classification (germline): Pathogenic (1 of 4 stars; one submission).

Submission:

Labcorp Genetics (formerly Invitae), Labcorp
Classification: Pathogenic. Last evaluated: 2021-08-12. Review status: criteria provided, single submitter. Criteria: Invitae Variant Classification Sherloc (09022015). Collection method: clinical testing. Allele origin: germline.
Comment: This variant is a gross deletion of the genomic region encompassing exon(s) 4-5 of the PHEX gene. This deletion is out-of-frame, and is expected to create a premature termination codon and result in an absent or disrupted protein product. Loss-of-function variants in PHEX are known to be pathogenic (PMID: 9097956, 9106524, 19219621). A similar copy number variant has been observed in individual(s) with clinical features of XLH (Invitae). For these reasons, this variant has been classified as Pathogenic.

Literature cited by the submitters: PubMed 9097956; PubMed 9106524; PubMed 19219621.

NC_000023.11:g.(?_22076388)_(22077702_?)del

Gene: PHEX (phosphate regulating endopeptidase X-linked; plus strand). Cytogenetic location: Xp22.11.
Variant type: Deletion.
Identifiers: ClinVar variation 832250 (VCV000832250.6).